The following is an entry in ClinVar:

NM_182925.5(FLT4):c.3451T>G (p.Cys1151Gly)

Gene: FLT4 (fms related receptor tyrosine kinase 4; minus strand). Cytogenetic location: 5q35.3.
Variant type: single nucleotide variant.
Coding change: c.3451T>G on transcript NM_182925.5 (MANE Select); coding-DNA position 3451, T replaced by G.
Protein change: p.Cys1151Gly; replaces cysteine 1151 with glycine.
Molecular consequence: missense variant.
Genome position (GRCh38, 1-based): chr5:180,612,592, A>C on the plus strand (T>G on the coding strand, the complement: FLT4 is on the minus strand). VCF-style: chr5-180612592-A-C. GRCh37 (hg19) VCF-style: chr5-180039592-A-C.
Other names: c.3451T>G, p.Cys1151Gly (NM_001354989.2, NM_002020.5); short protein forms C1151G.
Identifiers: ClinVar variation 3392689 (VCV003392689.1).

ClinVar aggregate classification (germline): Uncertain significance (1 of 4 stars; one submission).

Submission:

GeneDx
Classification: Uncertain significance. Last evaluated: 2024-06-21. Review status: criteria provided, single submitter. Criteria: GeneDx Variant Classification Process June 2021. Collection method: clinical testing. Allele origin: germline. Affected: yes.
Comment: Not observed at significant frequency in large population cohorts (gnomAD); In silico analysis supports that this missense variant has a deleterious effect on protein structure/function; Has not been previously published as pathogenic or benign to our knowledge; This variant is associated with the following publications: (PMID: 10835628, 11114740)